The following is an entry in ClinVar:

NM_001376.5(DYNC1H1):c.418C>T (p.Leu140Phe)

Gene: DYNC1H1 (dynein cytoplasmic 1 heavy chain 1; plus strand). Cytogenetic location: 14q32.31.
Variant type: single nucleotide variant.
Coding change: c.418C>T on transcript NM_001376.5 (MANE Select); coding-DNA position 418, C replaced by T.
Protein change: p.Leu140Phe; replaces leucine 140 with phenylalanine.
Molecular consequence: missense variant.
Genome position (GRCh38, 1-based): chr14:101,979,392, C>T. VCF-style: chr14-101979392-C-T. GRCh37 (hg19) VCF-style: chr14-102445729-C-T.
Other names: short protein forms L140F.
Identifiers: ClinVar variation 4800494 (VCV004800494.1).

ClinVar aggregate classification (germline): Uncertain significance (1 of 4 stars; one submission).

Conditions:
Charcot-Marie-Tooth disease axonal type 2O. Also called: CHARCOT-MARIE-TOOTH NEUROPATHY, AXONAL, TYPE 2O; CHARCOT-MARIE-TOOTH DISEASE, AXONAL, AUTOSOMAL DOMINANT, TYPE 2O; Charcot-Marie-Tooth Neuropathy Type 2O; Charcot-Marie-Tooth disease, axonal, type 20. Identifiers: Orphanet 284232, MedGen C3280220, MONDO:0013644, OMIM 614228.

gnomAD v4.1: 1 of 1,614,210 alleles (0.000062%); highest among the groups gnomAD compares: Non-Finnish European, 0.000085%; no homozygotes.

Submission:

Labcorp Genetics (formerly Invitae), Labcorp
Classification: Uncertain significance for Charcot-Marie-Tooth disease axonal type 2O. Last evaluated: 2025-09-23. Review status: criteria provided, single submitter. Criteria: Invitae Variant Classification Sherloc (09022015). Collection method: clinical testing. Allele origin: germline.
Comment: This sequence change replaces leucine, which is neutral and non-polar, with phenylalanine, which is neutral and non-polar, at codon 140 of the DYNC1H1 protein (p.Leu140Phe). This variant is not present in population databases (gnomAD no frequency). This variant has not been reported in the literature in individuals affected with DYNC1H1-related conditions. Invitae Evidence Modeling of protein sequence and biophysical properties (such as structural, functional, and spatial information, amino acid conservation, physicochemical variation, residue mobility, and thermodynamic stability) indicates that this missense variant is not expected to disrupt DYNC1H1 protein function with a negative predictive value of 95%. In summary, the available evidence is currently insufficient to determine the role of this variant in disease. Therefore, it has been classified as a Variant of Uncertain Significance.